The following is an entry in ClinVar:

NM_012123.4(MTO1):c.1777T>C (p.Phe593Leu)

Gene: MTO1 (mitochondrial tRNA translation optimization 1; plus strand). Cytogenetic location: 6q13.
Variant type: single nucleotide variant.
Coding change: c.1777T>C on transcript NM_012123.4 (MANE Select); coding-DNA position 1777, T replaced by C.
Protein change: p.Phe593Leu; replaces phenylalanine 593 with leucine.
Molecular consequence: missense variant.
Genome position (GRCh38, 1-based): chr6:73,497,756, T>C. VCF-style: chr6-73497756-T-C. GRCh37 (hg19) VCF-style: chr6-74207479-T-C.
Other names: c.1897T>C, p.Phe633Leu (NM_001123226.2); c.1852T>C, p.Phe618Leu (NM_133645.3); short protein forms F618L, F633L, F593L.
Identifiers: ClinVar variation 1520421 (VCV001520421.8), dbSNP rs2150044944, ClinGen allele CA364700792.

ClinVar aggregate classification (germline): Uncertain significance (1 of 4 stars; one submission).

Conditions:
Mitochondrial hypertrophic cardiomyopathy with lactic acidosis due to MTO1 deficiency. Also called: CARDIOMYOPATHY, INFANTILE HYPERTROPHIC MITOCHONDRIAL, AND LACTIC ACIDOSIS; Combined oxidative phosphorylation deficiency 10. Identifiers: Orphanet 314637, MedGen C4749921, MONDO:0013865, OMIM 614702.

gnomAD v4.1: 1 of 1,613,946 alleles (0.000062%); highest among the groups gnomAD compares: Non-Finnish European, 0.000085%; no homozygotes.

Submission:

Labcorp Genetics (formerly Invitae), Labcorp
Classification: Uncertain significance for Mitochondrial hypertrophic cardiomyopathy with lactic acidosis due to MTO1 deficiency. Last evaluated: 2021-02-25. Review status: criteria provided, single submitter. Criteria: Invitae Variant Classification Sherloc (09022015). Collection method: clinical testing. Allele origin: germline.
Comment: Algorithms developed to predict the effect of missense changes on protein structure and function output the following: SIFT: "Tolerated"; PolyPhen-2: "Benign"; Align-GVGD: "Class C0". The leucine amino acid residue is found in multiple mammalian species, suggesting that this missense change does not adversely affect protein function. These predictions have not been confirmed by published functional studies and their clinical significance is uncertain. In summary, the available evidence is currently insufficient to determine the role of this variant in disease. Therefore, it has been classified as a Variant of Uncertain Significance. This sequence change replaces phenylalanine with leucine at codon 593 of the MTO1 protein (p.Phe593Leu). The phenylalanine residue is weakly conserved and there is a small physicochemical difference between phenylalanine and leucine. This variant is not present in population databases (ExAC no frequency). This variant has not been reported in the literature in individuals with MTO1-related conditions.